The following is an entry in ClinVar:

NM_001558.4(IL10RA):c.637A>G (p.Ser213Gly)

Gene: IL10RA (interleukin 10 receptor subunit alpha; plus strand). Cytogenetic location: 11q23.3.
Variant type: single nucleotide variant.
Coding change: c.637A>G on transcript NM_001558.4 (MANE Select); coding-DNA position 637, A replaced by G.
Protein change: p.Ser213Gly; replaces serine 213 with glycine.
Molecular consequence: missense variant. On other transcripts: non-coding transcript variant (1).
Genome position (GRCh38, 1-based): chr11:117,994,098, A>G. VCF-style: chr11-117994098-A-G. GRCh37 (hg19) VCF-style: chr11-117864813-A-G.
Other names: short protein forms S213G.
Identifiers: ClinVar variation 3362828 (VCV003362828.3).

ClinVar aggregate classification (germline): Uncertain significance (1 of 4 stars; one submission).

Conditions:
Inflammatory bowel disease 28. Also called: Inflammatory bowel disease 28, early onset, autosomal recessive. Identifiers: Orphanet 238569, MedGen C2751053, MONDO:0013153, OMIM 613148.

Submission:

Neuberg Centre For Genomic Medicine, NCGM
Classification: Uncertain significance for Inflammatory bowel disease 28. Review status: criteria provided, single submitter. Criteria: ACMG Guidelines, 2015. Collection method: clinical testing. Allele origin: germline. Inheritance: Autosomal recessive inheritance. Affected: yes.
Comment: The missense variant c.637A>G(p.Ser213Gly) in IL10RA gene has not been reported previously as a pathogenic variant nor as a benign variant, to our knowledge. The observed variant is absent in gnomAD exomes database. This variant has not been submitted to the ClinVar database. Multiple lines of computational evidence (Polyphen - benign, SIFT - damaging and MutationTaster - polymorphism) predicts conflicting evidence on protein structure and function for this variant. The amino acid Ser at position 213 is changed to a Gly changing protein sequence and it might alter its composition and physico-chemical properties. For these reasons, this variant has been classified as Uncertain Significance (VUS).